The following is an entry in ClinVar:

ClinVar aggregate classification (germline): Benign/Likely benign. Review status: criteria provided, multiple submitters, no conflicts (2 of 4 stars). 6 submissions from 6 submitters: Benign (5); Likely benign (1). Last evaluated 2026-02-04.

Conditions:
Agammaglobulinemia 2, autosomal recessive (AGM2). Also called: AGAMMAGLOBULINEMIA, AUTOSOMAL RECESSIVE, DUE TO IGLL1 DEFECT. Identifiers: MedGen C3150750, MONDO:0013287, OMIM 613500.

Allele frequency attached by ClinVar (database versions not stated): TOPMed 0.10997; 1000 Genomes Project 30x 0.13757; gnomAD exomes 0.13825 and 0.15773; ExAC 0.15005; 1000 Genomes Project 0.13878; ESP Exome Variant Server 0.09811; gnomAD 0.10956 and 0.11402.
gnomAD v4.1: 219,273 of 1,613,146 alleles (14%); highest among the groups gnomAD compares: Admixed American, 24%; 16,428 homozygotes.

Submissions (6):

Labcorp Genetics (formerly Invitae), Labcorp
Classification: Benign for Agammaglobulinemia 2, autosomal recessive. Last evaluated: 2026-02-04. Review status: criteria provided, single submitter. Criteria: Invitae Variant Classification Sherloc (09022015). Collection method: clinical testing. Allele origin: germline.

Women's Health and Genetics/Laboratory Corporation of America, LabCorp
Classification: Likely benign. Last evaluated: 2026-01-21. Review status: criteria provided, single submitter. Criteria: LabCorp Variant Classification Summary - May 2015. Collection method: clinical testing. Allele origin: germline.

Unidad de Genómica Garrahan, Hospital de Pediatría Garrahan
Classification: Benign. Last evaluated: 2024-01-24. Review status: criteria provided, single submitter. Criteria: ACMG Guidelines, 2015. Collection method: clinical testing. Allele origin: germline. Affected: no. Observed: 39 variant alleles.
Comment: This variant is classified as Benign based on local population frequency. This variant was detected in 41% of patients studied by a panel of primary immunodeficiencies. Number of patients: 39. Only high quality variants are reported.

GeneDx
Classification: Benign. Last evaluated: 2021-06-09. Review status: criteria provided, single submitter. Criteria: GeneDx Variant Classification Process June 2021. Collection method: clinical testing. Allele origin: germline. Affected: yes.

Mayo Clinic Laboratories, Mayo Clinic
Classification: Benign. Last evaluated: 2018-09-05. Review status: criteria provided, single submitter. Criteria: ACMG Guidelines, 2015. Collection method: clinical testing. Allele origin: germline. Observed: 22 variant alleles.

Breakthrough Genomics
Classification: Benign. Review status: criteria provided, single submitter. Criteria: ACMG Guidelines, 2015. Collection method: not provided. Allele origin: germline. Inheritance: Autosomal recessive inheritance. Affected: yes.

NM_020070.4(IGLL1):c.443C>T (p.Thr148Ile)

Gene: IGLL1 (immunoglobulin lambda like polypeptide 1; minus strand). Cytogenetic location: 22q11.23.
Variant type: single nucleotide variant.
Coding change: c.443C>T on transcript NM_020070.4 (MANE Select); coding-DNA position 443, C replaced by T.
Protein change: p.Thr148Ile; replaces threonine 148 with isoleucine.
Molecular consequence: missense variant. On other transcripts: 3 prime UTR variant (1).
Genome position (GRCh38, 1-based): chr22:23,573,465, G>A on the plus strand (C>T on the coding strand, the complement: IGLL1 is on the minus strand). VCF-style: chr22-23573465-G-A. GRCh37 (hg19) VCF-style: chr22-23915652-G-A.
Other names: p.Thr148Ile; c.446C>T, p.Thr149Ile (NM_001369906.1); c.*72C>T (NM_152855.3); short protein forms T148I, T149I.
Identifiers: ClinVar variation 1164670 (VCV001164670.17), dbSNP rs73157031, ClinGen allele CA10143272.